The following is an entry in ClinVar:

ClinVar aggregate classification (germline): Uncertain significance (1 of 4 stars; one submission).

Submission:

Labcorp Genetics (formerly Invitae), Labcorp
Classification: Uncertain significance. Last evaluated: 2023-12-18. Review status: criteria provided, single submitter. Criteria: Invitae Variant Classification Sherloc (09022015). Collection method: clinical testing. Allele origin: germline.
Comment: This sequence change replaces leucine, which is neutral and non-polar, with proline, which is neutral and non-polar, at codon 253 of the NR2E3 protein (p.Leu253Pro). This variant is not present in population databases (gnomAD no frequency). This variant has not been reported in the literature in individuals affected with NR2E3-related conditions. Advanced modeling of protein sequence and biophysical properties (such as structural, functional, and spatial information, amino acid conservation, physicochemical variation, residue mobility, and thermodynamic stability) performed at Invitae indicates that this missense variant is expected to disrupt NR2E3 protein function with a positive predictive value of 80%. In summary, the available evidence is currently insufficient to determine the role of this variant in disease. Therefore, it has been classified as a Variant of Uncertain Significance.

NM_014249.4(NR2E3):c.758T>C (p.Leu253Pro)

Gene: NR2E3 (nuclear receptor subfamily 2 group E member 3; plus strand). Cytogenetic location: 15q23.
Variant type: single nucleotide variant.
Coding change: c.758T>C on transcript NM_014249.4 (MANE Select); coding-DNA position 758, T replaced by C.
Protein change: p.Leu253Pro; replaces leucine 253 with proline.
Molecular consequence: missense variant.
Genome position (GRCh38, 1-based): chr15:71,813,399, T>C. VCF-style: chr15-71813399-T-C. GRCh37 (hg19) VCF-style: chr15-72105739-T-C.
Other names: c.758T>C, p.Leu253Pro (NM_016346.4); short protein forms L253P.
Identifiers: ClinVar variation 2798306 (VCV002798306.3), dbSNP rs2543256087, ClinGen allele CA393036177.